The following is an entry in ClinVar:

NM_181507.2(HPS5):c.1862+1G>A

Gene: HPS5 (HPS5 biogenesis of lysosomal organelles complex 2 subunit 2; minus strand). Cytogenetic location: 11p15.1.
Variant type: single nucleotide variant.
Coding change: c.1862+1G>A on transcript NM_181507.2 (MANE Select); the canonical splice donor site of the intron after coding-DNA position 1862, G replaced by A.
Molecular consequence: splice donor variant.
Genome position (GRCh38, 1-based): chr11:18,292,898, C>T on the plus strand (G>A on the coding strand, the complement: HPS5 is on the minus strand). VCF-style: chr11-18292898-C-T. GRCh37 (hg19) VCF-style: chr11-18314445-C-T.
Other names: c.1448+1G>A (NM_001440929.1, NM_001440928.1, NM_001440927.1); c.1520+1G>A (NM_181508.2, NM_001440921.1, NM_001440926.1 and 7 more transcripts); c.1751+1G>A (NM_001440915.1, NM_001440914.1, NM_001440913.1); c.1862+1G>A (NM_001440931.1, NM_001440917.1, NM_001440906.1 and 5 more transcripts); c.1787+1G>A (NM_001440907.1, NM_001440909.1, NM_001440908.1); c.1649+1G>A (NM_001440919.1); c.1676+1G>A (NM_001440918.1).
Identifiers: ClinVar variation 1339232 (VCV001339232.6), dbSNP rs778500897, ClinGen allele CA5909984.

ClinVar aggregate classification (germline): Likely pathogenic. Review status: criteria provided, multiple submitters, no conflicts (2 of 4 stars). 3 submissions from 3 submitters: Likely pathogenic (3). Last evaluated 2023-11-15.

Conditions:
Hermansky-Pudlak syndrome 5 (HPS5). Identifiers: Orphanet 231512, Orphanet 79430, MedGen C3888004, MONDO:0013557, OMIM 614074.

Allele frequency attached by ClinVar (database versions not stated): TOPMed below 0.00001; gnomAD exomes 0.00001 and 0.00002; gnomAD 0.00002; ExAC 0.00003.
gnomAD v4.1: 19 of 1,610,746 alleles (0.0012%); highest among the groups gnomAD compares: South Asian, 0.021%; no homozygotes.

Submissions (3):

Labcorp Genetics (formerly Invitae), Labcorp
Classification: Likely pathogenic. Last evaluated: 2023-11-15. Review status: criteria provided, single submitter. Criteria: Invitae Variant Classification Sherloc (09022015). Collection method: clinical testing. Allele origin: germline.
Comment: This sequence change affects a donor splice site in intron 15 of the HPS5 gene. It is expected to disrupt RNA splicing. Variants that disrupt the donor or acceptor splice site typically lead to a loss of protein function (PMID: 16199547), and loss-of-function variants in HPS5 are known to be pathogenic (PMID: 12548288, 15296495, 21833017, 26785811). This variant is present in population databases (rs778500897, gnomAD 0.01%). This variant has not been reported in the literature in individuals affected with HPS5-related conditions. ClinVar contains an entry for this variant (Variation ID: 1339232). Algorithms developed to predict the effect of sequence changes on RNA splicing suggest that this variant may disrupt the consensus splice site. In summary, the currently available evidence indicates that the variant is pathogenic, but additional data are needed to prove that conclusively. Therefore, this variant has been classified as Likely Pathogenic.

Fulgent Genetics
Classification: Likely pathogenic for Hermansky-Pudlak syndrome 5. Last evaluated: 2022-01-28. Review status: criteria provided, single submitter. Criteria: ACMG Guidelines, 2015. Collection method: clinical testing. Allele origin: unknown.

Neuberg Centre For Genomic Medicine, NCGM
Classification: Likely pathogenic for Hermansky-Pudlak syndrome 5. Review status: criteria provided, single submitter. Criteria: ACMG Guidelines, 2015. Collection method: clinical testing. Allele origin: germline. Affected: yes.
Comment: The splice donor variant c.1862+1G>A in HPS5 (NM_181507.1) has not been reported previously as a pathogenic variant nor as a benign variant, to our knowledge. The c.1862+1G>A variant is observed in 4/30,614 (0.0131%) alleles from individuals of South Asian background in gnomAD Exomes and is novel (not in any individuals) in 1000 Genomes. This variant affects an invariant splice nucleotide. Loss of function variants are predicted to be damaging. For these reasons, this variant has been classified as Likely Pathogenic

Literature cited by the submitters: PubMed 16199547 (cited by Labcorp Genetics (formerly Invitae), Labcorp); PubMed 12548288 (cited by Labcorp Genetics (formerly Invitae), Labcorp); PubMed 15296495 (cited by Labcorp Genetics (formerly Invitae), Labcorp); PubMed 21833017 (cited by Labcorp Genetics (formerly Invitae), Labcorp); PubMed 26785811 (cited by Labcorp Genetics (formerly Invitae), Labcorp).